The following is an entry in ClinVar:

NM_030957.4(ADAMTS10):c.2530+9G>A

Gene: ADAMTS10 (ADAM metallopeptidase with thrombospondin type 1 motif 10; minus strand). Cytogenetic location: 19p13.2.
Variant type: single nucleotide variant.
Coding change: c.2530+9G>A on transcript NM_030957.4 (MANE Select); 9 bases into the intron after coding-DNA position 2530, G replaced by A.
Molecular consequence: intron variant.
Genome position (GRCh38, 1-based): chr19:8,586,335, C>T on the plus strand (G>A on the coding strand, the complement: ADAMTS10 is on the minus strand). VCF-style: chr19-8586335-C-T. GRCh37 (hg19) VCF-style: chr19-8651219-C-T.
Other names: c.991+9G>A (NM_001282352.2); c.2530+9G>A (NM_030957.3).
Identifiers: ClinVar variation 330583 (VCV000330583.13), dbSNP rs782625211, ClinGen allele CA9160081.

ClinVar aggregate classification (germline): Conflicting classifications of pathogenicity. Review status: criteria provided, conflicting classifications (1 of 4 stars). 3 submissions from 3 submitters: Uncertain significance (1); Likely benign (1). 1 of the submissions does not count toward it. Last evaluated 2025-08-07.

Conditions:
ADAMTS10-related disorder. Also called: ADAMTS10-related condition.
Weill-Marchesani syndrome. Also called: WM Syndrome; Mesodermal dysmorphodystrophy congenital. Identifiers: Orphanet 3449, MedGen C0265313, MONDO:0018096.

Allele frequency attached by ClinVar (database versions not stated): TOPMed 0.00002.

Submissions (3):

Labcorp Genetics (formerly Invitae), Labcorp
Classification: Likely benign. Last evaluated: 2025-08-07. Review status: criteria provided, single submitter. Criteria: Invitae Variant Classification Sherloc (09022015). Collection method: clinical testing. Allele origin: germline.

Illumina Laboratory Services, Illumina
Classification: Uncertain significance for Weill-Marchesani syndrome. Last evaluated: 2018-01-12. Review status: criteria provided, single submitter. Criteria: ICSL Variant Classification Criteria 13 December 2019. Collection method: clinical testing. Allele origin: germline.

PreventionGenetics, part of Exact Sciences
Classification: Likely benign for ADAMTS10-related condition. Last evaluated: 2019-03-12. Review status: no assertion criteria provided. Collection method: clinical testing. Allele origin: germline. Not counted in ClinVar's aggregate classification.
Comment: This variant is classified as likely benign based on ACMG/AMP sequence variant interpretation guidelines (Richards et al. 2015 PMID: 25741868, with internal and published modifications).